The following is an entry in ClinVar:

ClinVar aggregate classification (germline): Uncertain significance. Review status: criteria provided, multiple submitters, no conflicts (2 of 4 stars). 5 submissions from 5 submitters: Uncertain significance (5). Last evaluated 2026-02-12.

Conditions:
PKHD1-related disorder. Also called: PKHD1-related condition.
Inborn genetic diseases. Identifiers: MedGen C0950123, MeSH D030342.
Polycystic kidney disease 4 (PKD4). Also called: Autosomal Recessive Polycystic Kidney Disease – PKHD1; PKD3; POLYCYSTIC KIDNEY DISEASE 4 WITH OR WITHOUT POLYCYSTIC LIVER DISEASE; POLYCYSTIC KIDNEY AND HEPATIC DISEASE 1; POLYCYSTIC KIDNEY DISEASE, INFANTILE, TYPE I. Identifiers: MedGen C4540575, MONDO:0033004, OMIM 263200.
Autosomal recessive polycystic kidney disease (ARPKD). Also called: AR polycystic kidney disease. Identifiers: Orphanet 731, Orphanet 8378, MedGen C0085548, MeSH D017044, MONDO:0009889.

Allele frequency attached by ClinVar (database versions not stated): ExAC 0.00001; gnomAD exomes 0.00001 and 0.00002; gnomAD 0.00004; ESP Exome Variant Server 0.00008; TOPMed 0.00008.
gnomAD v4.1: 24 of 1,613,572 alleles (0.0015%); highest among the groups gnomAD compares: African/African-American, 0.02%; no homozygotes.

Submissions (5):

PreventionGenetics, part of Exact Sciences
Classification: Uncertain significance for PKHD1-related condition. Last evaluated: 2026-02-12. Review status: criteria provided, single submitter. Criteria: ACMG Guidelines, 2015. Collection method: clinical testing. Allele origin: germline.
Comment: The PKHD1 c.9076G>A variant is predicted to result in the amino acid substitution p.Gly3026Arg. To our knowledge, this variant has not been reported in the literature. This variant is reported in 0.020% of alleles in individuals of African descent in gnomAD. At this time, the clinical significance of this variant is uncertain due to the absence of conclusive functional and genetic evidence.

Fulgent Genetics
Classification: Uncertain significance for Polycystic kidney disease 4. Last evaluated: 2024-02-13. Review status: criteria provided, single submitter. Criteria: ACMG Guidelines, 2015. Collection method: clinical testing. Allele origin: germline.

Ambry Genetics
Classification: Uncertain significance for Inborn genetic diseases. Last evaluated: 2024-01-19. Review status: criteria provided, single submitter. Criteria: Ambry Variant Classification Scheme 2023. Collection method: clinical testing. Allele origin: germline.

GeneDx
Classification: Uncertain significance. Last evaluated: 2020-10-02. Review status: criteria provided, single submitter. Criteria: GeneDx Variant Classification Process June 2021. Collection method: clinical testing. Allele origin: germline. Affected: yes.
Comment: In silico analysis supports that this missense variant does not alter protein structure/function; Has not been previously published as pathogenic or benign to our knowledge

Mayo Clinic Laboratories, Mayo Clinic
Classification: Uncertain significance for Polycystic kidney disease 4. Last evaluated: 2016-11-17. Review status: criteria provided, single submitter. Criteria: ACMG Guidelines, 2015. Collection method: clinical testing. Allele origin: paternal.

NM_138694.4(PKHD1):c.9076G>A (p.Gly3026Arg)

Gene: PKHD1 (PKHD1 ciliary IPT domain containing fibrocystin/polyductin; minus strand). Cytogenetic location: 6p12.3.
Variant type: single nucleotide variant.
Coding change: c.9076G>A on transcript NM_138694.4 (MANE Select); coding-DNA position 9076, G replaced by A.
Protein change: p.Gly3026Arg; replaces glycine 3026 with arginine.
Molecular consequence: missense variant.
Genome position (GRCh38, 1-based): chr6:51,748,540, C>T on the plus strand (G>A on the coding strand, the complement: PKHD1 is on the minus strand). VCF-style: chr6-51748540-C-T. GRCh37 (hg19) VCF-style: chr6-51613338-C-T.
Other names: c.9076G>A, p.Gly3026Arg (NM_170724.3); short protein forms G3026R.
Identifiers: ClinVar variation 547884 (VCV000547884.10), dbSNP rs146550270, ClinGen allele CA3851452.
Genomic context (GRCh38, chr6:51,748,540, plus strand): 5'-TGCCAAACACAATATTGTCATTTAAAAGTACTCCATGACTGGCAGCTGCATGAATGCCCC[C>T]GCCACAGCTCTGGTGCAGAGTAGATGATATGATCCAGGATCCTGCTGACACATTACTGAA-3'
Protein context (NP_619639.3, residues 3016-3036): ISSTLHQSCG[Gly3026Arg]GIHAAASHGV